The following is an entry in ClinVar:

NM_015512.5(DNAH1):c.6788A>C (p.Asn2263Thr)

Gene: DNAH1 (dynein axonemal heavy chain 1; plus strand). Cytogenetic location: 3p21.1.
Variant type: single nucleotide variant.
Coding change: c.6788A>C on transcript NM_015512.5 (MANE Select); coding-DNA position 6788, A replaced by C.
Protein change: p.Asn2263Thr; replaces asparagine 2263 with threonine.
Molecular consequence: missense variant.
Genome position (GRCh38, 1-based): chr3:52,372,348, A>C. VCF-style: chr3-52372348-A-C. GRCh37 (hg19) VCF-style: chr3-52406364-A-C.
Other names: short protein forms N2263T.
Identifiers: ClinVar variation 1346912 (VCV001346912.8), dbSNP rs140407922, ClinGen allele CA353166159.
Genomic context (GRCh38, chr3:52,372,348, plus strand): 5'-AGAACCTGGCACTGGATTACATCAGCCACTTCCTCACCTTCTCAGCCCGCACTTCAGCCA[A>C]CCAGACCCAGGACTTCATTGACAGCAAGCTGGACAAGAGGCAGGGCACCCCTCCCTCCTT-3'
Protein context (NP_056327.4, residues 2253-2273): FLTFSARTSA[Asn2263Thr]QTQDFIDSKL

ClinVar aggregate classification (germline): Uncertain significance (1 of 4 stars; one submission).

Conditions:
Ciliary dyskinesia, primary, 37 (CILD37). Also called: CILIARY DYSKINESIA, PRIMARY, 37, WITH OR WITHOUT SITUS INVERSUS. Identifiers: MedGen C4539798, MONDO:0033204, OMIM 617577.
Spermatogenic failure 18. Identifiers: MedGen C4539783, MONDO:0054615, OMIM 617576.

Submission:

Labcorp Genetics (formerly Invitae), Labcorp
Classification: Uncertain significance for Ciliary dyskinesia, primary, 37; Spermatogenic failure 18. Last evaluated: 2022-07-12. Review status: criteria provided, single submitter. Criteria: Invitae Variant Classification Sherloc (09022015). Collection method: clinical testing. Allele origin: germline.
Comment: This sequence change replaces asparagine, which is neutral and polar, with threonine, which is neutral and polar, at codon 2263 of the DNAH1 protein (p.Asn2263Thr). This variant is not present in population databases (gnomAD no frequency). In summary, the available evidence is currently insufficient to determine the role of this variant in disease. Therefore, it has been classified as a Variant of Uncertain Significance. Algorithms developed to predict the effect of missense changes on protein structure and function are either unavailable or do not agree on the potential impact of this missense change (SIFT: "Deleterious"; PolyPhen-2: "Possibly Damaging"; Align-GVGD: "Class C0"). ClinVar contains an entry for this variant (Variation ID: 1346912). This variant has not been reported in the literature in individuals affected with DNAH1-related conditions.